The following is an entry in ClinVar:

NM_005450.6(NOG):c.74C>G (p.Ala25Gly)

Gene: NOG (noggin; plus strand). Cytogenetic location: 17q22.
Variant type: single nucleotide variant.
Coding change: c.74C>G on transcript NM_005450.6 (MANE Select); coding-DNA position 74, C replaced by G.
Protein change: p.Ala25Gly; replaces alanine 25 with glycine.
Molecular consequence: missense variant.
Genome position (GRCh38, 1-based): chr17:56,594,297, C>G. VCF-style: chr17-56594297-C-G. GRCh37 (hg19) VCF-style: chr17-54671658-C-G.
Other names: short protein forms A25G.
Identifiers: ClinVar variation 4711134 (VCV004711134.1).

ClinVar aggregate classification (germline): Uncertain significance (1 of 4 stars; one submission).

Submission:

Labcorp Genetics (formerly Invitae), Labcorp
Classification: Uncertain significance. Last evaluated: 2025-10-21. Review status: criteria provided, single submitter. Criteria: Invitae Variant Classification Sherloc (09022015). Collection method: clinical testing. Allele origin: germline.
Comment: This sequence change replaces alanine, which is neutral and non-polar, with glycine, which is neutral and non-polar, at codon 25 of the NOG protein (p.Ala25Gly). This variant is not present in population databases (gnomAD no frequency). This variant has not been reported in the literature in individuals affected with NOG-related conditions. An algorithm developed to predict the effect of missense changes on protein structure and function (PolyPhen-2) suggests that this variant is likely to be tolerated. In summary, the available evidence is currently insufficient to determine the role of this variant in disease. Therefore, it has been classified as a Variant of Uncertain Significance.